The following is an entry in ClinVar:

ClinVar aggregate classification (germline): Uncertain significance. Review status: criteria provided, multiple submitters, no conflicts (2 of 4 stars). 2 submissions from 2 submitters: Uncertain significance (2). Last evaluated 2025-11-03.

Conditions:
Inborn genetic diseases. Identifiers: MedGen C0950123, MeSH D030342.
Familial hemophagocytic lymphohistiocytosis 4 (FHL4). Also called: STX11-Related Familial Hemophagocytic Lymphohistiocytosis (STX11-fHLH). Identifiers: Orphanet 540, MedGen C1863728, MONDO:0011336, OMIM 603552.

Allele frequency attached by ClinVar (database versions not stated): ExAC 0.00003; TOPMed 0.00006; 1000 Genomes Project 30x 0.00016; 1000 Genomes Project 0.00020.
gnomAD v4.1: 17 of 1,613,318 alleles (0.0011%); highest among the groups gnomAD compares: African/African-American, 0.017%; no homozygotes.

Submissions (2):

Ambry Genetics
Classification: Uncertain significance for Inborn genetic diseases. Last evaluated: 2025-11-03. Review status: criteria provided, single submitter. Criteria: Ambry Variant Classification Scheme 2023. Collection method: clinical testing. Allele origin: germline.

Labcorp Genetics (formerly Invitae), Labcorp
Classification: Uncertain significance for Familial hemophagocytic lymphohistiocytosis 4. Last evaluated: 2022-10-17. Review status: criteria provided, single submitter. Criteria: Invitae Variant Classification Sherloc (09022015). Collection method: clinical testing. Allele origin: germline.
Comment: This sequence change replaces aspartic acid, which is acidic and polar, with histidine, which is basic and polar, at codon 145 of the STX11 protein (p.Asp145His). This variant is present in population databases (rs527278192, gnomAD 0.02%). This variant has not been reported in the literature in individuals affected with STX11-related conditions. ClinVar contains an entry for this variant (Variation ID: 644744). Advanced modeling of protein sequence and biophysical properties (such as structural, functional, and spatial information, amino acid conservation, physicochemical variation, residue mobility, and thermodynamic stability) performed at Invitae indicates that this missense variant is not expected to disrupt STX11 protein function. In summary, the available evidence is currently insufficient to determine the role of this variant in disease. Therefore, it has been classified as a Variant of Uncertain Significance.

NM_003764.4(STX11):c.433G>C (p.Asp145His)

Gene: STX11 (syntaxin 11; plus strand). Cytogenetic location: 6q24.2.
Variant type: single nucleotide variant.
Coding change: c.433G>C on transcript NM_003764.4 (MANE Select); coding-DNA position 433, G replaced by C.
Protein change: p.Asp145His; replaces aspartic acid 145 with histidine.
Molecular consequence: missense variant.
Genome position (GRCh38, 1-based): chr6:144,187,060, G>C. VCF-style: chr6-144187060-G-C. GRCh37 (hg19) VCF-style: chr6-144508197-G-C.
Other names: c.433G>C (LRG_113t1); short protein forms D145H.
Identifiers: ClinVar variation 644744 (VCV000644744.6), dbSNP rs527278192, ClinGen allele CA4031711.